The following is an entry in ClinVar:

ClinVar aggregate classification (germline): Uncertain significance (1 of 4 stars; one submission).

Submission:

GeneDx
Classification: Uncertain significance. Last evaluated: 2020-06-08. Review status: criteria provided, single submitter. Criteria: GeneDx Variant Classification Process June 2021. Collection method: clinical testing. Allele origin: germline. Affected: yes.
Comment: Not observed in large population cohorts (Lek et al., 2016); In silico analysis, which includes protein predictors and evolutionary conservation, supports a deleterious effect; Has not been previously published as pathogenic or benign to our knowledge

NM_000834.5(GRIN2B):c.3958C>T (p.Arg1320Cys)

Gene: GRIN2B (glutamate ionotropic receptor NMDA type subunit 2B; minus strand). Cytogenetic location: 12p13.1.
Variant type: single nucleotide variant.
Coding change: c.3958C>T on transcript NM_000834.5 (MANE Select); coding-DNA position 3958, C replaced by T.
Protein change: p.Arg1320Cys; replaces arginine 1320 with cysteine.
Molecular consequence: missense variant.
Genome position (GRCh38, 1-based): chr12:13,563,280, G>A on the plus strand (C>T on the coding strand, the complement: GRIN2B is on the minus strand). VCF-style: chr12-13563280-G-A. GRCh37 (hg19) VCF-style: chr12-13716214-G-A.
Other names: short protein forms R1320C.
Identifiers: ClinVar variation 1309303 (VCV001309303.2), dbSNP rs2136403344, ClinGen allele CA383987132.